The following is an entry in ClinVar:

NM_052867.4(NALCN):c.2374A>G (p.Thr792Ala)

Gene: NALCN (sodium leak channel, non-selective; minus strand). Cytogenetic location: 13q33.1.
Variant type: single nucleotide variant.
Coding change: c.2374A>G on transcript NM_052867.4 (MANE Select); coding-DNA position 2374, A replaced by G.
Protein change: p.Thr792Ala; replaces threonine 792 with alanine.
Molecular consequence: missense variant.
Genome position (GRCh38, 1-based): chr13:101,107,780, T>C on the plus strand (A>G on the coding strand, the complement: NALCN is on the minus strand). VCF-style: chr13-101107780-T-C. GRCh37 (hg19) VCF-style: chr13-101760131-T-C.
Other names: c.2461A>G, p.Thr821Ala (NM_001350748.2); c.2374A>G, p.Thr792Ala (NM_001350749.2); c.2287A>G, p.Thr763Ala (NM_001350750.2, NM_001350751.2); short protein forms T792A, T763A, T821A.
Identifiers: ClinVar variation 2585423 (VCV002585423.1), dbSNP rs368263862, ClinGen allele CA255397547.

ClinVar aggregate classification (germline): Uncertain significance (1 of 4 stars; one submission).

Conditions:
Congenital contractures of the limbs and face, hypotonia, and developmental delay (CLIFAHDD). Identifiers: Orphanet 562528, MedGen C4225398, MONDO:0014556, OMIM 616266.

Allele frequency attached by ClinVar (database versions not stated): TOPMed below 0.00001; ESP Exome Variant Server 0.00008.

Submission:

Neuberg Centre For Genomic Medicine, NCGM
Classification: Uncertain significance for Congenital contractures of the limbs and face, hypotonia, and developmental delay. Review status: criteria provided, single submitter. Criteria: ACMG Guidelines, 2015. Collection method: clinical testing. Allele origin: germline. Inheritance: Autosomal dominant inheritance. Affected: yes.
Comment: The missense variant c.2461A>G (p.Thr821Ala) in NALCN gene has not been reported previously as a pathogenic variant nor as a benign variant, to our knowledge. The p.Thr821Ala variant is novel (not in any individuals) in gnomAD Exomes and 1000 Genomes. The amino acid Thr at position 821 is changed to a Ala changing protein sequence and it might alter its composition and physico-chemical properties. In silico tools predict the variant to be tolerated. The residue is conserved across species. The amino acid change p.Thr821Ala in NALCN is predicted as conserved by GERP++ and PhyloP across 100 vertebrates. For these reasons, this variant has been classified as Uncertain Significance .